The following is an entry in ClinVar:

ClinVar aggregate classification (germline): Pathogenic. Review status: criteria provided, multiple submitters, no conflicts (2 of 4 stars). 3 submissions from 3 submitters: Pathogenic (2). 1 of the submissions does not count toward it. Last evaluated 2025-01-29.

Conditions:
CYP4F22-related disorder. Also called: CYP4F22-related condition.
Autosomal recessive congenital ichthyosis 5 (ARCI5). Also called: Ichthyosis, nonlamellar and nonerythrodermic, congenital, autosomal recessive; ICHTHYOSIS CONGENITA III. Identifiers: Orphanet 313, MedGen C1858133, MONDO:0011485, OMIM 604777.

Allele frequency attached by ClinVar (database versions not stated): TOPMed below 0.00001; gnomAD exomes 0.00004 and 0.00011; ExAC 0.00011; gnomAD 0.00013 and 0.00014.
gnomAD v4.1: 83 of 1,613,984 alleles (0.0051%); highest among the groups gnomAD compares: Non-Finnish European, 0.0014%; no homozygotes.

Submissions (3):

Labcorp Genetics (formerly Invitae), Labcorp
Classification: Pathogenic. Last evaluated: 2025-01-29. Review status: criteria provided, single submitter. Criteria: Invitae Variant Classification Sherloc (09022015). Collection method: clinical testing. Allele origin: germline.
Comment: This sequence change creates a premature translational stop signal (p.Gln223*) in the CYP4F22 gene. It is expected to result in an absent or disrupted protein product. Loss-of-function variants in CYP4F22 are known to be pathogenic (PMID: 16436457, 24397709, 26762237). This variant is present in population databases (rs199892192, gnomAD 0.1%). This premature translational stop signal has been observed in individual(s) with congenital Ichthyosis (PMID: 27025581). ClinVar contains an entry for this variant (Variation ID: 328433). For these reasons, this variant has been classified as Pathogenic.

Blueprint Genetics
Classification: Pathogenic for CYP4F22-related disorders. Last evaluated: 2024-10-02. Review status: criteria provided, single submitter. Criteria: ACMG Guidelines, 2015. Collection method: clinical testing. Allele origin: germline. Affected: yes. Observed: 5 variant alleles.

Institute for Human Genetics, University Medical Center Freiburg
Classification: Pathogenic for Autosomal recessive congenital ichthyosis 5. Last evaluated: 2018-04-23. Review status: no assertion criteria provided. Collection method: clinical testing. Allele origin: germline. Affected: yes. Not counted in ClinVar's aggregate classification.

Literature cited by the submitters: PubMed 16436457 (cited by Labcorp Genetics (formerly Invitae), Labcorp); PubMed 24397709 (cited by Labcorp Genetics (formerly Invitae), Labcorp); PubMed 26762237 (cited by Labcorp Genetics (formerly Invitae), Labcorp); PubMed 27025581 (cited by Labcorp Genetics (formerly Invitae), Labcorp and Institute for Human Genetics, University Medical Center Freiburg).

NM_173483.4(CYP4F22):c.667C>T (p.Gln223Ter)

Gene: CYP4F22 (cytochrome P450 family 4 subfamily F member 22; plus strand). Cytogenetic location: 19p13.12.
Variant type: single nucleotide variant.
Coding change: c.667C>T on transcript NM_173483.4 (MANE Select); coding-DNA position 667, C replaced by T.
Protein change: p.Gln223Ter; replaces glutamine 223 with a stop codon.
Molecular consequence: nonsense.
Genome position (GRCh38, 1-based): chr19:15,537,989, C>T. VCF-style: chr19-15537989-C-T. GRCh37 (hg19) VCF-style: chr19-15648800-C-T.
Other names: short protein forms Q223*.
Identifiers: ClinVar variation 328433 (VCV000328433.10), dbSNP rs199892192, ClinGen allele CA9269654.